The following is an entry in ClinVar:

ClinVar aggregate classification (germline): Pathogenic. Review status: criteria provided, multiple submitters, no conflicts (2 of 4 stars). 2 submissions from 2 submitters: Pathogenic (2). Last evaluated 2026-05-19.

Conditions:
BBS2-related disorder. Also called: BBS2-related condition; BBS2-related disorders. Identifiers: MedGen CN239228.
Bardet-Biedl syndrome (BBS). Identifiers: Orphanet 110, MedGen C0752166, MONDO:0015229.

gnomAD v4.1: 5 of 1,613,970 alleles (0.00031%); highest among the groups gnomAD compares: Non-Finnish European, 0.00042%; no homozygotes.

Submissions (2):

PreventionGenetics, part of Exact Sciences
Classification: Pathogenic for BBS2-related condition. Last evaluated: 2026-05-19. Review status: criteria provided, single submitter. Criteria: ACMG Guidelines, 2015. Collection method: clinical testing. Allele origin: germline.
Comment: The BBS2 c.471+1G>C variant is predicted to disrupt the GT donor site and interfere with normal splicing. To our knowledge, this variant has been reported along with a second causative BBS2 variant in an individual with congenital malformations (Supplementary Table 4, Best et al. 2022. PubMed ID: 34716235). Other variant at the same nucleotide c.471+1G>A was reported in compound heterozygous state in an individual with Bardet-Biedl syndrome and inherited retinal dystrophy (Bravo-Gil et a.l 2016. PubMed ID: 27032803). This variant has not been reported in a large population database, indicating this variant is rare. Variants that disrupt the consensus splice donor site in BBS2 are expected to be pathogenic. This variant is interpreted as pathogenic.

Labcorp Genetics (formerly Invitae), Labcorp
Classification: Pathogenic for Bardet-Biedl syndrome. Last evaluated: 2022-05-20. Review status: criteria provided, single submitter. Criteria: Invitae Variant Classification Sherloc (09022015). Collection method: clinical testing. Allele origin: germline.
Comment: This sequence change affects a donor splice site in intron 3 of the BBS2 gene. It is expected to disrupt RNA splicing. Variants that disrupt the donor or acceptor splice site typically lead to a loss of protein function (PMID: 16199547), and loss-of-function variants in BBS2 are known to be pathogenic (PMID: 11285252, 20177705, 24608809, 26518167). For these reasons, this variant has been classified as Pathogenic. Algorithms developed to predict the effect of sequence changes on RNA splicing suggest that this variant may disrupt the consensus splice site. Disruption of this splice site has been observed in individual(s) with clinical features of retinal dystrophy and Bardet-Biedl syndrome (PMID: 27032803). In at least one individual the data is consistent with being in trans (on the opposite chromosome) from a pathogenic variant. This variant is not present in population databases (gnomAD no frequency).

Literature cited by the submitters: PubMed 16199547 (cited by Labcorp Genetics (formerly Invitae), Labcorp); PubMed 11285252 (cited by Labcorp Genetics (formerly Invitae), Labcorp); PubMed 20177705 (cited by Labcorp Genetics (formerly Invitae), Labcorp); PubMed 24608809 (cited by Labcorp Genetics (formerly Invitae), Labcorp); PubMed 26518167 (cited by Labcorp Genetics (formerly Invitae), Labcorp); PubMed 27032803 (cited by Labcorp Genetics (formerly Invitae), Labcorp).

NM_031885.5(BBS2):c.471+1G>C

Gene: BBS2 (Bardet-Biedl syndrome 2; minus strand). Cytogenetic location: 16q13.
Variant type: single nucleotide variant.
Coding change: c.471+1G>C on transcript NM_031885.5 (MANE Select); the canonical splice donor site of the intron after coding-DNA position 471, G replaced by C.
Molecular consequence: splice donor variant.
Genome position (GRCh38, 1-based): chr16:56,511,158, C>G on the plus strand (G>C on the coding strand, the complement: BBS2 is on the minus strand). VCF-style: chr16-56511158-C-G. GRCh37 (hg19) VCF-style: chr16-56545070-C-G.
Other names: c.471+1G>C (NM_001377456.1, NM_031885.3).
Identifiers: ClinVar variation 1457831 (VCV001457831.9), dbSNP rs1555523584, ClinGen allele CA395984292.